The following is an entry in ClinVar:

NM_001903.5(CTNNA1):c.439G>A (p.Val147Ile)

Gene: CTNNA1 (catenin alpha 1; plus strand). Cytogenetic location: 5q31.2.
Variant type: single nucleotide variant.
Coding change: c.439G>A on transcript NM_001903.5 (MANE Select); coding-DNA position 439, G replaced by A.
Protein change: p.Val147Ile; replaces valine 147 with isoleucine.
Molecular consequence: missense variant.
Genome position (GRCh38, 1-based): chr5:138,810,175, G>A. VCF-style: chr5-138810175-G-A. GRCh37 (hg19) VCF-style: chr5-138145864-G-A.
Other names: c.439G>A (NM_001903.2); c.439G>A, p.Val147Ile (NM_001290307.3, NM_001323982.2, NM_001323983.1 and 3 more transcripts); c.130G>A, p.Val44Ile (NM_001290309.3); c.70G>A, p.Val24Ile (NM_001290310.3); short protein forms V147I, V24I, V44I.
Identifiers: ClinVar variation 998797 (VCV000998797.9), dbSNP rs1758530800, ClinGen allele CA361123522.
Genomic context (GRCh38, chr5:138,810,175, plus strand): 5'-GCAGCTCGAGCTTTGCTCTCTGCTGTTACCCGGTTGCTGATTTTGGCTGACATGGCAGAT[G>A]TCTACAAATTACTTGTTCAGCTGAAAGTTGTAAGTATACAGGCCTATGTCTGTAATTTGT-3'
Protein context (NP_001894.2, residues 137-157): RLLILADMAD[Val147Ile]YKLLVQLKVV

ClinVar aggregate classification (germline): Uncertain significance. Review status: criteria provided, multiple submitters, no conflicts (2 of 4 stars). 2 submissions from 2 submitters: Uncertain significance (2). Last evaluated 2025-05-07.

Conditions:
Hereditary cancer-predisposing syndrome. Also called: Neoplastic Syndromes, Hereditary; Tumor predisposition; Hereditary Cancer Syndrome; Hereditary neoplastic syndrome. Identifiers: Orphanet 140162, MedGen C0027672, MeSH D009386, MONDO:0015356.

Allele frequency attached by ClinVar (database versions not stated): gnomAD exomes below 0.00001.
gnomAD v4.1: 2 of 1,614,174 alleles (0.00012%); highest among the groups gnomAD compares: South Asian, 0.0011%; no homozygotes.

Submissions (2):

Ambry Genetics
Classification: Uncertain significance for Hereditary cancer-predisposing syndrome. Last evaluated: 2025-05-07. Review status: criteria provided, single submitter. Criteria: Ambry Variant Classification Scheme 2023. Collection method: clinical testing. Allele origin: germline.
Comment: The p.V147I variant (also known as c.439G>A), located in coding exon 3 of the CTNNA1 gene, results from a G to A substitution at nucleotide position 439. The valine at codon 147 is replaced by isoleucine, an amino acid with highly similar properties. This amino acid position is conserved. In addition, the in silico prediction for this alteration is inconclusive. Based on the available evidence, the clinical significance of this variant remains unclear.

Labcorp Genetics (formerly Invitae), Labcorp
Classification: Uncertain significance. Last evaluated: 2020-08-14. Review status: criteria provided, single submitter. Criteria: Invitae Variant Classification Sherloc (09022015). Collection method: clinical testing. Allele origin: germline.
Comment: This sequence change replaces valine with isoleucine at codon 147 of the CTNNA1 protein (p.Val147Ile). The valine residue is highly conserved and there is a small physicochemical difference between valine and isoleucine. This variant is not present in population databases (ExAC no frequency). This variant has not been reported in the literature in individuals with CTNNA1-related conditions. Algorithms developed to predict the effect of missense changes on protein structure and function are either unavailable or do not agree on the potential impact of this missense change (SIFT: "Deleterious"; PolyPhen-2: "Possibly Damaging"; Align-GVGD: "Class C0"). In summary, the available evidence is currently insufficient to determine the role of this variant in disease. Therefore, it has been classified as a Variant of Uncertain Significance.